The following is an entry in ClinVar:

NC_000009.11:g.(?_36245958)_(36249414_?)del

Gene: GNE (glucosamine (UDP-N-acetyl)-2-epimerase/N-acetylmannosamine kinase; minus strand). Cytogenetic location: 9p13.3.
Variant type: Deletion.
Identifiers: ClinVar variation 3245115 (VCV003245115.1).

ClinVar aggregate classification (germline): Pathogenic (1 of 4 stars; one submission).

Conditions:
Sialuria. Also called: SIALURIA, FRENCH TYPE; Sialic Acid Storage Disease. Identifiers: Orphanet 3166, MedGen C0342853, MONDO:0010028, OMIM 269921.
GNE myopathy (NM). Also called: IBM 2; Inclusion body myopathy autosomal recessive; NONAKA DISTAL MYOPATHY; Inclusion body myopathy quadriceps sparing; INCLUSION BODY MYOPATHY, HEREDITARY, AUTOSOMAL RECESSIVE; INCLUSION BODY MYOPATHY 2, AUTOSOMAL RECESSIVE. Identifiers: Orphanet 602, MedGen C1853926, MONDO:0011603, OMIM 605820.

Submission:

Labcorp Genetics (formerly Invitae), Labcorp
Classification: Pathogenic for Sialuria; GNE myopathy. Last evaluated: 2023-02-16. Review status: criteria provided, single submitter. Criteria: Invitae Variant Classification Sherloc (09022015). Collection method: clinical testing. Allele origin: unknown.
Comment: This variant is a gross deletion of the genomic region encompassing exon(s) 2-3 of the GNE gene. This deletion is out-of-frame, and is expected to create a premature termination codon and result in an absent or disrupted protein product. Loss-of-function variants in GNE are known to be pathogenic (PMID: 24027297). This variant has not been reported in the literature in individuals affected with GNE-related conditions. For these reasons, this variant has been classified as Pathogenic.

Literature cited by the submitters: PubMed 24027297.